The following is an entry in ClinVar:

NM_001384140.1(PCDH15):c.1362C>T (p.Val454=)

Gene: PCDH15 (protocadherin related 15; minus strand). Cytogenetic location: 10q21.1.
Variant type: single nucleotide variant.
Coding change: c.1362C>T on transcript NM_001384140.1 (MANE Select); coding-DNA position 1362, C replaced by T.
Protein change: p.Val454=; no amino-acid change (valine 454 retained).
Molecular consequence: synonymous variant.
Genome position (GRCh38, 1-based): chr10:54,185,212, G>A on the plus strand (C>T on the coding strand, the complement: PCDH15 is on the minus strand). VCF-style: chr10-54185212-G-A. GRCh37 (hg19) VCF-style: chr10-55944972-G-A.
Other names: c.1377C>T, p.Val459= (NM_001142763.2, NM_001142771.2); c.1362C>T, p.Val454= (NM_001142764.2, NM_001142765.2, NM_001142766.2 and 6 more transcripts); c.1251C>T, p.Val417= (NM_001142767.2); c.1296C>T, p.Val432= (NM_001142768.2, NM_001142773.2, NM_001354404.2); c.1398C>T, p.Val466= (NM_001142769.4); c.1383C>T, p.Val461= (NM_001354411.2).
Identifiers: ClinVar variation 46443 (VCV000046443.27), dbSNP rs61735479, ClinGen allele CA138376.
Genomic context (GRCh38, chr10:54,185,212, plus strand): 5'-CTGTTCTTCCCTGTCCACTGGTTGAAGTAAGGTGAGGTAGCGAGTAATACCAGTCTGTGT[G>A]ACGGTGAAGACTGAGGTGTAGTCATTCAGAAAAAGGTGAAGCTCTGGGTCTTTTGTCTTT-3'
Protein context (NP_001371069.1, residues 444-464): FLNDYTSVFT[Val454=]TQTGITRYLT

ClinVar aggregate classification (germline): Conflicting classifications of pathogenicity. Review status: criteria provided, conflicting classifications (1 of 4 stars). 9 submissions from 9 submitters: Uncertain significance (1); Benign (4); Likely benign (1). 3 of the submissions do not count toward it. Last evaluated 2026-01-31.

Conditions:
Usher syndrome type 1 (USH1). Also called: RETINITIS PIGMENTOSA AND CONGENITAL DEAFNESS. Identifiers: Orphanet 231169, Orphanet 886, MedGen C1568247, MONDO:0010168, OMIM 276900.
Usher syndrome type 1F (USH1F). Also called: USHER SYNDROME, TYPE IF. Identifiers: Orphanet 231169, Orphanet 886, MedGen C1865885, MONDO:0011186, OMIM 602083.

Allele frequency attached by ClinVar (database versions not stated): gnomAD exomes 0.00036 and 0.00074; ExAC 0.00086; 1000 Genomes Project 30x 0.00156; 1000 Genomes Project 0.00180; gnomAD 0.00248 and 0.00267; TOPMed 0.00294; ESP Exome Variant Server 0.00331.
gnomAD v4.1: 944 of 1,613,658 alleles (0.059%); highest among the groups gnomAD compares: African/African-American, 0.85%; 4 homozygotes.

Submissions (9):

Labcorp Genetics (formerly Invitae), Labcorp
Classification: Benign. Last evaluated: 2026-01-31. Review status: criteria provided, single submitter. Criteria: Invitae Variant Classification Sherloc (09022015). Collection method: clinical testing. Allele origin: germline.

Blueprint Genetics
Classification: Likely benign. Last evaluated: 2024-11-14. Review status: criteria provided, single submitter. Criteria: ACMG Guidelines, 2015. Collection method: clinical testing. Allele origin: germline.

GeneDx
Classification: Benign. Last evaluated: 2019-03-12. Review status: criteria provided, single submitter. Criteria: GeneDx Variant Classification Process June 2021. Collection method: clinical testing. Allele origin: germline. Affected: yes.

Illumina Laboratory Services, Illumina
Classification: Uncertain significance for Usher syndrome type 1. Last evaluated: 2018-01-13. Review status: criteria provided, single submitter. Criteria: ICSL Variant Classification Criteria 13 December 2019. Collection method: clinical testing. Allele origin: germline.

Eurofins Ntd Llc (ga)
Classification: Benign. Last evaluated: 2013-08-14. Review status: criteria provided, single submitter. Criteria: EGL Classification Definitions 2015. Collection method: clinical testing. Allele origin: germline. Observed: 1 variant allele, 1 heterozygote.

Laboratory for Molecular Medicine, Mass General Brigham Personalized Medicine
Classification: Benign. Last evaluated: 2012-03-22. Review status: criteria provided, single submitter. Criteria: LMM Criteria. Collection method: clinical testing. Allele origin: germline. Observed: 3 variant alleles.
Comment: Val454Val in exon 12 of PCDH15: This variant is not expected to have clinical si gnificance because it does not alter an amino acid residue, is not located withi n the splice consensus sequence, has been identified in .014% (1/7020) of Europe an American chromosomes and 0.96% (36/3738) of African American chromosomes in a broad population by the NHLBI Exome sequencing project (n.edu/EVS/ ; dbSNP rs61735479).

Natera, Inc.
Classification: Benign for Usher syndrome type 1F. Last evaluated: 2019-10-25. Review status: no assertion criteria provided. Collection method: clinical testing. Allele origin: germline. Not counted in ClinVar's aggregate classification.

Clinical Genetics DNA and cytogenetics Diagnostics Lab, Erasmus MC, Erasmus Medical Center
Classification: Likely benign. Review status: no assertion criteria provided. Collection method: clinical testing. Allele origin: germline. Affected: yes. Study: VKGL Data-share Consensus. Not counted in ClinVar's aggregate classification.

Clinical Genetics, Academic Medical Center
Classification: Benign. Review status: no assertion criteria provided. Collection method: clinical testing. Allele origin: germline. Affected: yes. Study: VKGL Data-share Consensus. Not counted in ClinVar's aggregate classification.